The following is an entry in ClinVar:

NM_004370.6(COL12A1):c.6635C>T (p.Thr2212Ile)

Gene: COL12A1 (collagen type XII alpha 1 chain; minus strand). Cytogenetic location: 6q13.
Variant type: single nucleotide variant.
Coding change: c.6635C>T on transcript NM_004370.6 (MANE Select); coding-DNA position 6635, C replaced by T.
Protein change: p.Thr2212Ile; replaces threonine 2212 with isoleucine.
Molecular consequence: missense variant.
Genome position (GRCh38, 1-based): chr6:75,124,344, G>A on the plus strand (C>T on the coding strand, the complement: COL12A1 is on the minus strand). VCF-style: chr6-75124344-G-A. GRCh37 (hg19) VCF-style: chr6-75834060-G-A.
Other names: c.3143C>T, p.Thr1048Ile (NM_080645.3); short protein forms T1048I, T2212I.
Identifiers: ClinVar variation 1999014 (VCV001999014.4), dbSNP rs1327036533, ClinGen allele CA364729090.

ClinVar aggregate classification (germline): Uncertain significance (1 of 4 stars; one submission).

Conditions:
Ullrich congenital muscular dystrophy 2 (UCMD2). Identifiers: Orphanet 75840, MedGen C4225314, MONDO:0014654, OMIM 616470.
Bethlem myopathy 2 (BTHLM2). Identifiers: Orphanet 536516, Orphanet 610, MedGen C4225313, MONDO:0034022, OMIM 616471.

Allele frequency attached by ClinVar (database versions not stated): gnomAD exomes below 0.00001.
gnomAD v4.1: 4 of 1,612,310 alleles (0.00025%); highest among the groups gnomAD compares: South Asian, 0.0044%; no homozygotes.

Submission:

Labcorp Genetics (formerly Invitae), Labcorp
Classification: Uncertain significance for Bethlem myopathy 2; Ullrich congenital muscular dystrophy 2. Last evaluated: 2022-06-19. Review status: criteria provided, single submitter. Criteria: Invitae Variant Classification Sherloc (09022015). Collection method: clinical testing. Allele origin: germline.
Comment: In summary, the available evidence is currently insufficient to determine the role of this variant in disease. Therefore, it has been classified as a Variant of Uncertain Significance. Algorithms developed to predict the effect of missense changes on protein structure and function are either unavailable or do not agree on the potential impact of this missense change (SIFT: "Deleterious"; PolyPhen-2: "Possibly Damaging"; Align-GVGD: "Class C0"). This variant has not been reported in the literature in individuals affected with COL12A1-related conditions. This variant is present in population databases (no rsID available, gnomAD 0.003%). This sequence change replaces threonine, which is neutral and polar, with isoleucine, which is neutral and non-polar, at codon 2212 of the COL12A1 protein (p.Thr2212Ile).